The following is an entry in ClinVar:

ClinVar aggregate classification (germline): Uncertain significance (1 of 4 stars; one submission).

Submission:

Women's Health and Genetics/Laboratory Corporation of America, LabCorp
Classification: Uncertain significance. Last evaluated: 2026-01-07. Review status: criteria provided, single submitter. Criteria: LabCorp Variant Classification Summary - May 2015. Collection method: clinical testing. Allele origin: germline.
Comment: Variant summary: ALPL c.1479C>G (p.Asn493Lys) results in a non-conservative amino acid change in the encoded protein sequence. Algorithms developed to predict the effect of missense changes on protein structure and function all suggest that this variant is likely to be disruptive. The variant was absent in 240564 control chromosomes (gnomAD). The available data on variant occurrences in the general population are insufficient to allow any conclusion about variant significance. c.1479C>G has not been reported. However, another variant (c.1479C>A, p.Asn493Lys) has been observed in one individual affected with hypochondroplasia and hypophosphatasia (Porntaveetus_2017). These data do not allow any conclusion about variant significance. To our knowledge, no experimental evidence demonstrating an impact on protein function has been reported. The following publication have been ascertained in the context of this evaluation (PMID: 28763161). No submitters have cited clinical-significance assessments for this variant to ClinVar. Based on the evidence outlined above, the variant was classified as uncertain significance.

Literature cited by the submitters: PubMed 28763161.

NM_000478.6(ALPL):c.1479C>G (p.Asn493Lys)

Gene: ALPL (alkaline phosphatase, biomineralization associated; plus strand). Cytogenetic location: 1p36.12.
Variant type: single nucleotide variant.
Coding change: c.1479C>G on transcript NM_000478.6 (MANE Select); coding-DNA position 1479, C replaced by G.
Protein change: p.Asn493Lys; replaces asparagine 493 with lysine.
Molecular consequence: missense variant.
Genome position (GRCh38, 1-based): chr1:21,577,552, C>G. VCF-style: chr1-21577552-C-G. GRCh37 (hg19) VCF-style: chr1-21904045-C-G.
Other names: c.1314C>G, p.Asn438Lys (NM_001127501.4); c.1248C>G, p.Asn416Lys (NM_001177520.3); c.1479C>G, p.Asn493Lys (NM_001369803.2, NM_001369804.2, NM_001369805.2); short protein forms N416K, N438K, N493K.
Identifiers: ClinVar variation 4689569 (VCV004689569.1).